The following is an entry in ClinVar:

NM_004104.5(FASN):c.3455T>G (p.Val1152Gly)

Gene: FASN (fatty acid synthase; minus strand). Cytogenetic location: 17q25.3.
Variant type: single nucleotide variant.
Coding change: c.3455T>G on transcript NM_004104.5 (MANE Select); coding-DNA position 3455, T replaced by G.
Protein change: p.Val1152Gly; replaces valine 1152 with glycine.
Molecular consequence: missense variant.
Genome position (GRCh38, 1-based): chr17:82,086,531, A>C on the plus strand (T>G on the coding strand, the complement: FASN is on the minus strand). VCF-style: chr17-82086531-A-C. GRCh37 (hg19) VCF-style: chr17-80044407-A-C.
Other names: c.3455T>G (NM_004104.4); short protein forms V1152G.
Identifiers: ClinVar variation 1055038 (VCV001055038.10), dbSNP rs760288450, ClinGen allele CA8852364.

ClinVar aggregate classification (germline): Uncertain significance. Review status: criteria provided, multiple submitters, no conflicts (2 of 4 stars). 2 submissions from 2 submitters: Uncertain significance (2). Last evaluated 2026-01-19.

Conditions:
Epileptic encephalopathy. Identifiers: MedGen C0543888, HP:0200134.

Allele frequency attached by ClinVar (database versions not stated): gnomAD 0.00011 and 0.00014; TOPMed 0.00014.
gnomAD v4.1: 30 of 1,611,900 alleles (0.0019%); highest among the groups gnomAD compares: African/African-American, 0.036%; no homozygotes.

Submissions (2):

Labcorp Genetics (formerly Invitae), Labcorp
Classification: Uncertain significance for Epileptic encephalopathy. Last evaluated: 2026-01-19. Review status: criteria provided, single submitter. Criteria: Invitae Variant Classification Sherloc (09022015). Collection method: clinical testing. Allele origin: germline.
Comment: This sequence change replaces valine, which is neutral and non-polar, with glycine, which is neutral and non-polar, at codon 1152 of the FASN protein (p.Val1152Gly). This variant is present in population databases (rs760288450, gnomAD 0.03%). This variant has not been reported in the literature in individuals affected with FASN-related conditions. ClinVar contains an entry for this variant (Variation ID: 1055038). An algorithm developed to predict the effect of missense changes on protein structure and function (PolyPhen-2) suggests that this variant is likely to be tolerated. In summary, the available evidence is currently insufficient to determine the role of this variant in disease. Therefore, it has been classified as a Variant of Uncertain Significance.

Ambry Genetics
Classification: Uncertain significance. Last evaluated: 2025-08-30. Review status: criteria provided, single submitter. Criteria: Ambry Variant Classification Scheme 2023. Collection method: clinical testing. Allele origin: germline.